The following is an entry in ClinVar:

ClinVar aggregate classification (germline): Likely benign (1 of 4 stars; one submission).

Allele frequency attached by ClinVar (database versions not stated): gnomAD exomes 0.00025; gnomAD 0.00259 and 0.00278; TOPMed 0.00262; 1000 Genomes Project 30x 0.00344; 1000 Genomes Project 0.00359.
gnomAD v4.1: 735 of 1,490,132 alleles (0.049%); highest among the groups gnomAD compares: African/African-American, 0.87%; 2 homozygotes.

Submission:

GeneDx
Classification: Likely benign. Last evaluated: 2018-06-15. Review status: criteria provided, single submitter. Criteria: GeneDx Variant Classification (06012015). Collection method: clinical testing. Allele origin: germline. Affected: yes.
Comment: This variant is considered likely benign or benign based on one or more of the following criteria: it is a conservative change, it occurs at a poorly conserved position in the protein, it is predicted to be benign by multiple in silico algorithms, and/or has population frequency not consistent with disease.

NM_006514.4(SCN10A):c.2280+64C>T

Gene: SCN10A (sodium voltage-gated channel alpha subunit 10; minus strand). Cytogenetic location: 3p22.2.
Variant type: single nucleotide variant.
Coding change: c.2280+64C>T on transcript NM_006514.4 (MANE Select); 64 bases into the intron after coding-DNA position 2280, C replaced by T.
Molecular consequence: intron variant.
Genome position (GRCh38, 1-based): chr3:38,739,451, G>A on the plus strand (C>T on the coding strand, the complement: SCN10A is on the minus strand). VCF-style: chr3-38739451-G-A. GRCh37 (hg19) VCF-style: chr3-38780942-G-A.
Other names: c.1986+64C>T (NM_001293307.2); c.2280+64C>T (NM_001293306.2).
Identifiers: ClinVar variation 679101 (VCV000679101.1), dbSNP rs192166263, ClinGen allele CA72974279.
Genomic context (GRCh38, chr3:38,739,451, plus strand): 5'-GACCCTGCTCCCTCCCACAAGGACAGGAGAGGAAGGGGGAGCTGGCTGGTGCAGTCCCCA[G>A]AGCACAGTGTCTTCCCTGAATCTGGGTGGGAGTTTCCCCAAGCCATCAAGAGAAAAACAT-3'